The following is an entry in ClinVar:

NM_001080517.3(SETD5):c.561A>C (p.Lys187Asn)

Gene: SETD5 (SET domain containing 5; plus strand). Cytogenetic location: 3p25.3.
Variant type: single nucleotide variant.
Coding change: c.561A>C on transcript NM_001080517.3 (MANE Select); coding-DNA position 561, A replaced by C.
Protein change: p.Lys187Asn; replaces lysine 187 with asparagine.
Molecular consequence: missense variant.
Genome position (GRCh38, 1-based): chr3:9,435,900, A>C. VCF-style: chr3-9435900-A-C. GRCh37 (hg19) VCF-style: chr3-9477584-A-C.
Other names: c.228A>C, p.Lys76Asn (NM_001292043.2, NM_001349451.2); c.618A>C, p.Lys206Asn (NM_001437633.1, NM_001437635.1); c.561A>C, p.Lys187Asn (NM_001437643.1, NM_001437701.1); short protein forms K187N, K206N, K76N.
Identifiers: ClinVar variation 4976706 (VCV004976706.1).
Genomic context (GRCh38, chr3:9,435,900, plus strand): 5'-CAAACCCAAGAAGCGGAAAAAGAGTCCAGAAAAGGGTCGTGCAGCACCAAAGACGAAGAA[A>C]ATCAAGGTATGCAGGGTAAAAATATCTTAAATAGAAATTGTCTGAAATAGCTTAAATTTT-3'
Protein context (NP_001073986.1, residues 177-197): EKGRAAPKTK[Lys187Asn]IKNSPSEAQN

ClinVar aggregate classification (germline): Uncertain significance (1 of 4 stars; one submission).

gnomAD v4.1: 2 of 1,580,840 alleles (0.00013%); highest among the groups gnomAD compares: East Asian, 0.0023%; no homozygotes.

Submission:

GeneDx
Classification: Uncertain significance. Last evaluated: 2026-01-05. Review status: criteria provided, single submitter. Criteria: GeneDx Variant Classification Process June 2021. Collection method: clinical testing. Allele origin: germline.
Comment: In silico analysis supports that this missense variant has a deleterious effect on protein structure/function; Has not been previously published as pathogenic or benign to our knowledge